The following is an entry in ClinVar:

NM_003024.3(ITSN1):c.3744C>T (p.Thr1248=)

Gene: ITSN1 (intersectin 1; plus strand). Cytogenetic location: 21q22.11.
Variant type: single nucleotide variant.
Coding change: c.3744C>T on transcript NM_003024.3 (MANE Select); coding-DNA position 3744, C replaced by T.
Protein change: p.Thr1248=; no amino-acid change (threonine 1248 retained).
Molecular consequence: synonymous variant.
Genome position (GRCh38, 1-based): chr21:33,856,818, C>T. VCF-style: chr21-33856818-C-T. GRCh37 (hg19) VCF-style: chr21-35229122-C-T.
Other names: c.3729C>T, p.Thr1243= (NM_001331010.2).
Identifiers: ClinVar variation 3036634 (VCV003036634.2), dbSNP rs142988236, ClinGen allele CA10012248.
Genomic context (GRCh38, chr21:33,856,818, plus strand): 5'-GGATATGTTGACCCCAACTGAAAGAAAGCGACAAGGATACATCCACGAGCTCATTGTCAC[C>T]GAGGAGAACTATGTGAATGACCTGCAGCTGGTCACAGAGGTAAGGGAGCTGGTGGGGCAG-3'
Protein context (NP_003015.2, residues 1238-1258): RQGYIHELIV[Thr1248=]EENYVNDLQL

ClinVar aggregate classification (germline): Likely benign (0 of 4 stars; one submission).

Conditions:
ITSN1-related disorder. Also called: ITSN1-related condition.

Allele frequency attached by ClinVar (database versions not stated): gnomAD exomes 0.00004; ExAC 0.00007; ESP Exome Variant Server 0.00008; gnomAD 0.00010; TOPMed 0.00014; 1000 Genomes Project 30x 0.00016.
gnomAD v4.1: 86 of 1,613,956 alleles (0.0053%); highest among the groups gnomAD compares: Middle Eastern, 0.082%; 1 homozygote.

Submission:

PreventionGenetics, part of Exact Sciences
Classification: Likely benign for ITSN1-related condition. Last evaluated: 2022-02-28. Review status: no assertion criteria provided. Collection method: clinical testing. Allele origin: germline.
Comment: This variant is classified as likely benign based on ACMG/AMP sequence variant interpretation guidelines (Richards et al. 2015 PMID: 25741868, with internal and published modifications).